The following is an entry in ClinVar:

ClinVar aggregate classification (germline): Uncertain significance (1 of 4 stars; one submission).

Conditions:
Left ventricular noncompaction 8 (LVNC8). Identifiers: Orphanet 154, Orphanet 54260, MedGen C3809288, MONDO:0014152, OMIM 615373.

Allele frequency attached by ClinVar (database versions not stated): 1000 Genomes Project 30x 0.00016; gnomAD exomes 0.00002; ExAC 0.00003; gnomAD 0.00003; 1000 Genomes Project 0.00020; TOPMed 0.00006.
gnomAD v4.1: 35 of 1,614,034 alleles (0.0022%); highest among the groups gnomAD compares: East Asian, 0.074%; no homozygotes.

Submission:

Labcorp Genetics (formerly Invitae), Labcorp
Classification: Uncertain significance for Left ventricular noncompaction 8. Last evaluated: 2025-12-04. Review status: criteria provided, single submitter. Criteria: Invitae Variant Classification Sherloc (09022015). Collection method: clinical testing. Allele origin: germline.
Comment: This sequence change replaces valine, which is neutral and non-polar, with alanine, which is neutral and non-polar, at codon 1208 of the PRDM16 protein (p.Val1208Ala). This variant is present in population databases (rs578095108, gnomAD 0.04%). This variant has not been reported in the literature in individuals affected with PRDM16-related conditions. ClinVar contains an entry for this variant (Variation ID: 2904561). An algorithm developed to predict the effect of missense changes on protein structure and function outputs the following: PolyPhen-2: "Benign". The alanine amino acid residue is found in multiple mammalian species, which suggests that this missense change does not adversely affect protein function. In summary, the available evidence is currently insufficient to determine the role of this variant in disease. Therefore, it has been classified as a Variant of Uncertain Significance.

NM_022114.4(PRDM16):c.3623T>C (p.Val1208Ala)

Gene: PRDM16 (PR/SET domain 16; plus strand). Cytogenetic location: 1p36.32.
Variant type: single nucleotide variant.
Coding change: c.3623T>C on transcript NM_022114.4 (MANE Select); coding-DNA position 3623, T replaced by C.
Protein change: p.Val1208Ala; replaces valine 1208 with alanine.
Molecular consequence: missense variant.
Genome position (GRCh38, 1-based): chr1:3,432,067, T>C. VCF-style: chr1-3432067-T-C. GRCh37 (hg19) VCF-style: chr1-3348631-T-C.
Other names: c.3623T>C, p.Val1208Ala (NM_199454.3); short protein forms V1208A.
Identifiers: ClinVar variation 2904561 (VCV002904561.3), dbSNP rs578095108, ClinGen allele CA544924.